The following is an entry in ClinVar:

ClinVar aggregate classification (germline): Uncertain significance (1 of 4 stars; one submission).

Conditions:
Bloom syndrome (BLM). Also called: Bloom-Torre-Machacek syndrome. Identifiers: Orphanet 125, MedGen C0005859, MONDO:0008876, OMIM 210900.

Allele frequency attached by ClinVar (database versions not stated): gnomAD exomes below 0.00001; ExAC 0.00001.
gnomAD v4.1: 2 of 1,614,110 alleles (0.00012%); highest among the groups gnomAD compares: Admixed American, 0.0017%; no homozygotes.

Submission:

Labcorp Genetics (formerly Invitae), Labcorp
Classification: Uncertain significance for Bloom syndrome. Last evaluated: 2024-04-25. Review status: criteria provided, single submitter. Criteria: Invitae Variant Classification Sherloc (09022015). Collection method: clinical testing. Allele origin: germline.
Comment: This sequence change replaces serine, which is neutral and polar, with isoleucine, which is neutral and non-polar, at codon 74 of the BLM protein (p.Ser74Ile). This variant is present in population databases (rs763193533, gnomAD 0.003%). This variant has not been reported in the literature in individuals affected with BLM-related conditions. An algorithm developed to predict the effect of missense changes on protein structure and function (PolyPhen-2) suggests that this variant is likely to be tolerated. In summary, the available evidence is currently insufficient to determine the role of this variant in disease. Therefore, it has been classified as a Variant of Uncertain Significance.

NM_000057.4(BLM):c.221G>T (p.Ser74Ile)

Gene: BLM (BLM RecQ like helicase; plus strand). Cytogenetic location: 15q26.1.
Variant type: single nucleotide variant.
Coding change: c.221G>T on transcript NM_000057.4 (MANE Select); coding-DNA position 221, G replaced by T.
Protein change: p.Ser74Ile; replaces serine 74 with isoleucine.
Molecular consequence: missense variant. On other transcripts: 5 prime UTR variant (1).
Genome position (GRCh38, 1-based): chr15:90,749,489, G>T. VCF-style: chr15-90749489-G-T. GRCh37 (hg19) VCF-style: chr15-91292719-G-T.
Other names: c.221G>T, p.Ser74Ile (NM_001287246.2, NM_001287247.2); c.-1071G>T (NM_001287248.2); short protein forms S74I.
Identifiers: ClinVar variation 2907449 (VCV002907449.3), dbSNP rs763193533, ClinGen allele CA7738262.